The following is an entry in ClinVar:

ClinVar aggregate classification (germline): Uncertain significance (1 of 4 stars; one submission).

Submission:

GeneDx
Classification: Uncertain significance. Last evaluated: 2026-04-04. Review status: criteria provided, single submitter. Criteria: GeneDx Variant Classification Process June 2021. Collection method: clinical testing. Allele origin: germline.
Comment: Not observed at significant frequency in large population cohorts (gnomAD); In silico analysis suggests that this missense variant does not alter protein structure/function; Has not been previously published as pathogenic or benign to our knowledge

NM_016333.4(SRRM2):c.1453C>A (p.Arg485Ser)

Gene: SRRM2 (serine/arginine repetitive matrix 2; plus strand). Cytogenetic location: 16p13.3.
Variant type: single nucleotide variant.
Coding change: c.1453C>A on transcript NM_016333.4 (MANE Select); coding-DNA position 1453, C replaced by A.
Protein change: p.Arg485Ser; replaces arginine 485 with serine.
Molecular consequence: missense variant.
Genome position (GRCh38, 1-based): chr16:2,761,981, C>A. VCF-style: chr16-2761981-C-A. GRCh37 (hg19) VCF-style: chr16-2811982-C-A.
Other names: short protein forms R485S.
Identifiers: ClinVar variation 5018055 (VCV005018055.1).